The following is an entry in ClinVar:

NM_001077268.2(ZFYVE19):c.569C>T (p.Pro190Leu)

Gene: ZFYVE19 (zinc finger FYVE-type containing 19; plus strand). Cytogenetic location: 15q15.1.
Variant type: single nucleotide variant.
Coding change: c.569C>T on transcript NM_001077268.2 (MANE Select); coding-DNA position 569, C replaced by T.
Protein change: p.Pro190Leu; replaces proline 190 with leucine.
Molecular consequence: missense variant.
Genome position (GRCh38, 1-based): chr15:40,809,968, C>T. VCF-style: chr15-40809968-C-T. GRCh37 (hg19) VCF-style: chr15-41102166-C-T.
Other names: NC_000015.9:g.41102166C>T; c.569C>T (NM_001077268.1); c.569C>T, p.Pro190Leu (NM_001258420.2); c.44C>T, p.Pro15Leu (NM_001258421.2); c.539C>T, p.Pro180Leu (NM_032850.5); short protein forms P180L, P190L, P15L.
Identifiers: ClinVar variation 4402005 (VCV004402005.2).

ClinVar aggregate classification (germline): Likely benign (1 of 4 stars; one submission).

Conditions:
ZFYVE19-related disorder. Also called: ZFYVE19-related condition.

gnomAD v4.1: 2,883 of 1,614,192 alleles (0.18%); highest among the groups gnomAD compares: South Asian, 0.23%; 6 homozygotes.

Submissions (15):

PreventionGenetics, part of Exact Sciences
Classification: Likely benign for ZFYVE19-related condition. Last evaluated: 2026-01-29. Review status: criteria provided, single submitter. Criteria: ACMG Guidelines, 2015. Collection method: clinical testing. Allele origin: germline.
Comment: This variant is classified as likely benign based on ACMG/AMP sequence variant interpretation guidelines (Richards et al. 2015 PMID: 25741868, with internal and published modifications).

Dr. Peter K. Rogan Lab, Western University
No classification provided (evidence only). Condition: Clear cell carcinoma of kidney. Review status: no classification provided. Collection method: in vitro. Allele origin: not applicable. Functional consequence: retained intron. Not counted in ClinVar's aggregate classification.

Dr. Peter K. Rogan Lab, Western University
No classification provided (evidence only). Condition: Clear cell carcinoma of kidney. Review status: no classification provided. Collection method: in vitro. Allele origin: not applicable. Functional consequence: retained intron. Not counted in ClinVar's aggregate classification.

Dr. Peter K. Rogan Lab, Western University
No classification provided (evidence only). Condition: Lung cancer. Review status: no classification provided. Collection method: in vitro. Allele origin: not applicable. Functional consequence: retained intron. Not counted in ClinVar's aggregate classification.

Dr. Peter K. Rogan Lab, Western University
No classification provided (evidence only). Condition: Familial cancer of breast. Review status: no classification provided. Collection method: in vitro. Allele origin: not applicable. Functional consequence: retained intron. Not counted in ClinVar's aggregate classification.

Dr. Peter K. Rogan Lab, Western University
No classification provided (evidence only). Condition: Acute myeloid leukemia. Review status: no classification provided. Collection method: in vitro. Allele origin: not applicable. Functional consequence: retained intron. Not counted in ClinVar's aggregate classification.

Dr. Peter K. Rogan Lab, Western University
No classification provided (evidence only). Condition: Cervical cancer. Review status: no classification provided. Collection method: in vitro. Allele origin: not applicable. Functional consequence: retained intron. Not counted in ClinVar's aggregate classification.

Dr. Peter K. Rogan Lab, Western University
No classification provided (evidence only). Condition: Cervical cancer. Review status: no classification provided. Collection method: in vitro. Allele origin: not applicable. Functional consequence: retained intron. Not counted in ClinVar's aggregate classification.

Dr. Peter K. Rogan Lab, Western University
No classification provided (evidence only). Condition: Cervical cancer. Review status: no classification provided. Collection method: in vitro. Allele origin: not applicable. Functional consequence: retained intron. Not counted in ClinVar's aggregate classification.

Dr. Peter K. Rogan Lab, Western University
No classification provided (evidence only). Condition: Sarcoma. Review status: no classification provided. Collection method: in vitro. Allele origin: not applicable. Functional consequence: retained intron. Not counted in ClinVar's aggregate classification.

Dr. Peter K. Rogan Lab, Western University
No classification provided (evidence only). Condition: Hepatocellular carcinoma. Review status: no classification provided. Collection method: in vitro. Allele origin: not applicable. Functional consequence: retained intron. Not counted in ClinVar's aggregate classification.

Dr. Peter K. Rogan Lab, Western University
No classification provided (evidence only). Condition: Nonpapillary renal cell carcinoma. Review status: no classification provided. Collection method: in vitro. Allele origin: not applicable. Functional consequence: retained intron. Not counted in ClinVar's aggregate classification.

Dr. Peter K. Rogan Lab, Western University
No classification provided (evidence only). Condition: Gastric cancer. Review status: no classification provided. Collection method: in vitro. Allele origin: not applicable. Functional consequence: retained intron. Not counted in ClinVar's aggregate classification.

Dr. Peter K. Rogan Lab, Western University
No classification provided (evidence only). Condition: Adrenocortical carcinoma, hereditary. Review status: no classification provided. Collection method: in vitro. Allele origin: not applicable. Functional consequence: retained intron. Not counted in ClinVar's aggregate classification.

Dr. Peter K. Rogan Lab, Western University
No classification provided (evidence only). Condition: Malignant tumor of esophagus. Review status: no classification provided. Collection method: in vitro. Allele origin: not applicable. Functional consequence: retained intron. Not counted in ClinVar's aggregate classification.